The following is an entry in ClinVar:

ClinVar aggregate classification (germline): Uncertain significance (1 of 4 stars; one submission).

Conditions:
Hereditary cancer-predisposing syndrome. Also called: Hereditary Cancer Syndrome; Hereditary neoplastic syndrome; Neoplastic Syndromes, Hereditary; Tumor predisposition. Identifiers: Orphanet 140162, MedGen C0027672, MeSH D009386, MONDO:0015356.

Submission:

Ambry Genetics
Classification: Uncertain significance for Hereditary cancer-predisposing syndrome. Last evaluated: 2020-11-20. Review status: criteria provided, single submitter. Criteria: Ambry Variant Classification Scheme 2023. Collection method: clinical testing. Allele origin: germline.
Comment: The p.K513E variant (also known as c.1537A>G), located in coding exon 9 of the KIT gene, results from an A to G substitution at nucleotide position 1537. The lysine at codon 513 is replaced by glutamic acid, an amino acid with similar properties. This amino acid position is well conserved in available vertebrate species. In addition, this alteration is predicted to be tolerated by in silico analysis. Since supporting evidence is limited at this time, the clinical significance of this alteration remains unclear.

NM_000222.3(KIT):c.1537A>G (p.Lys513Glu)

Gene: KIT (KIT proto-oncogene, receptor tyrosine kinase; plus strand). Cytogenetic location: 4q12.
Variant type: single nucleotide variant.
Coding change: c.1537A>G on transcript NM_000222.3 (MANE Select); coding-DNA position 1537, A replaced by G.
Protein change: p.Lys513Glu; replaces lysine 513 with glutamic acid.
Molecular consequence: missense variant. On other transcripts: intron variant (4).
Genome position (GRCh38, 1-based): chr4:54,726,047, A>G. VCF-style: chr4-54726047-A-G. GRCh37 (hg19) VCF-style: chr4-55592213-A-G.
Other names: c.1540A>G, p.Lys514Glu (NM_001385284.1, NM_001385290.1); c.1537A>G, p.Lys513Glu (NM_001385285.1); c.1531+9A>G (NM_001385288.1, NM_001385292.1); c.1528+9A>G (NM_001093772.2, NM_001385286.1); short protein forms K513E, K514E.
Identifiers: ClinVar variation 1774735 (VCV001774735.2), dbSNP rs1722197919, ClinGen allele CA356906750.